The following is an entry in ClinVar:

ClinVar aggregate classification (germline): Uncertain significance. Review status: criteria provided, multiple submitters, no conflicts (2 of 4 stars). 2 submissions from 2 submitters: Uncertain significance (2). Last evaluated 2022-07-25.

Conditions:
Inborn genetic diseases. Identifiers: MedGen C0950123, MeSH D030342.

Allele frequency attached by ClinVar (database versions not stated): ESP Exome Variant Server 0.00008; ExAC 0.00019.
gnomAD v4.1: 135 of 1,613,254 alleles (0.0084%); highest among the groups gnomAD compares: South Asian, 0.1%; 1 homozygote.

Submissions (2):

Labcorp Genetics (formerly Invitae), Labcorp
Classification: Uncertain significance. Last evaluated: 2022-07-25. Review status: criteria provided, single submitter. Criteria: Invitae Variant Classification Sherloc (09022015). Collection method: clinical testing. Allele origin: germline.
Comment: This sequence change replaces arginine, which is basic and polar, with cysteine, which is neutral and slightly polar, at codon 721 of the SLC12A1 protein (p.Arg721Cys). This variant is present in population databases (rs143401237, gnomAD 0.1%). This variant has not been reported in the literature in individuals affected with SLC12A1-related conditions. Algorithms developed to predict the effect of missense changes on protein structure and function are either unavailable or do not agree on the potential impact of this missense change (SIFT: "Tolerated"; PolyPhen-2: "Possibly Damaging"; Align-GVGD: "Class C0"). In summary, the available evidence is currently insufficient to determine the role of this variant in disease. Therefore, it has been classified as a Variant of Uncertain Significance.

Ambry Genetics
Classification: Uncertain significance for Inborn genetic diseases. Last evaluated: 2021-07-09. Review status: criteria provided, single submitter. Criteria: Ambry Variant Classification Scheme 2023. Collection method: clinical testing. Allele origin: germline.

NM_000338.3(SLC12A1):c.2161C>T (p.Arg721Cys)

Gene: SLC12A1 (solute carrier family 12 member 1; plus strand). Cytogenetic location: 15q21.1.
Variant type: single nucleotide variant.
Coding change: c.2161C>T on transcript NM_000338.3 (MANE Select); coding-DNA position 2161, C replaced by T.
Protein change: p.Arg721Cys; replaces arginine 721 with cysteine.
Molecular consequence: missense variant.
Genome position (GRCh38, 1-based): chr15:48,267,567, C>T. VCF-style: chr15-48267567-C-T. GRCh37 (hg19) VCF-style: chr15-48559764-C-T.
Other names: c.2161C>T, p.Arg721Cys (NM_001184832.2, NM_001384136.1); c.2161C>T (NM_000338.2); short protein forms R721C.
Identifiers: ClinVar variation 1903104 (VCV001903104.3), dbSNP rs143401237, ClinGen allele CA7547310.